The following is an entry in ClinVar:

NM_004260.4(RECQL4):c.356C>A (p.Ala119Asp)

Gene: RECQL4 (RecQ like helicase 4; minus strand). Cytogenetic location: 8q24.3.
Variant type: single nucleotide variant.
Coding change: c.356C>A on transcript NM_004260.4 (MANE Select); coding-DNA position 356, C replaced by A.
Protein change: p.Ala119Asp; replaces alanine 119 with aspartic acid.
Molecular consequence: missense variant.
Genome position (GRCh38, 1-based): chr8:144,516,763, G>T on the plus strand (C>A on the coding strand, the complement: RECQL4 is on the minus strand). VCF-style: chr8-144516763-G-T. GRCh37 (hg19) VCF-style: chr8-145742147-G-T.
Other names: short protein forms A119D.
Identifiers: ClinVar variation 1010034 (VCV001010034.3), dbSNP rs997621519, ClinGen allele CA372691792.

ClinVar aggregate classification (germline): Uncertain significance (1 of 4 stars; one submission).

Conditions:
Baller-Gerold syndrome (BGS). Also called: CRANIOSYNOSTOSIS WITH RADIAL DEFECTS. Identifiers: Orphanet 1225, MedGen C0265308, MONDO:0009039, OMIM 218600.

Submission:

Labcorp Genetics (formerly Invitae), Labcorp
Classification: Uncertain significance for Baller-Gerold syndrome. Last evaluated: 2025-07-30. Review status: criteria provided, single submitter. Criteria: Invitae Variant Classification Sherloc (09022015). Collection method: clinical testing. Allele origin: germline.
Comment: This sequence change replaces alanine, which is neutral and non-polar, with aspartic acid, which is acidic and polar, at codon 119 of the RECQL4 protein (p.Ala119Asp). This variant is not present in population databases (gnomAD no frequency). This variant has not been reported in the literature in individuals affected with RECQL4-related conditions. ClinVar contains an entry for this variant (Variation ID: 1010034). Experimental studies and prediction algorithms are not available or were not evaluated, and the functional significance of this variant is currently unknown. In summary, the available evidence is currently insufficient to determine the role of this variant in disease. Therefore, it has been classified as a Variant of Uncertain Significance.